The following is an entry in ClinVar:

NM_000540.3(RYR1):c.2905C>T (p.Leu969=)

Gene: RYR1 (ryanodine receptor 1; plus strand). Cytogenetic location: 19q13.2.
Variant type: single nucleotide variant.
Coding change: c.2905C>T on transcript NM_000540.3 (MANE Select); coding-DNA position 2905, C replaced by T.
Protein change: p.Leu969=; no amino-acid change (leucine 969 retained).
Molecular consequence: synonymous variant.
Genome position (GRCh38, 1-based): chr19:38,466,125, C>T. VCF-style: chr19-38466125-C-T. GRCh37 (hg19) VCF-style: chr19-38956765-C-T.
Other names: c.2905C>T, p.Leu969= (NM_001042723.2).
Identifiers: ClinVar variation 2836184 (VCV002836184.5), dbSNP rs2514093000, ClinGen allele CA507352672.

ClinVar aggregate classification (germline): Likely benign. Review status: criteria provided, multiple submitters, no conflicts (2 of 4 stars). 2 submissions from 2 submitters: Likely benign (2). Last evaluated 2024-03-24.

Conditions:
RYR1-related disorder. Also called: RYR1-related condition; RYR1-related disorders. Identifiers: MedGen CN239331.
Malignant hyperthermia, susceptibility to, 1 (MHS1). Also called: Anesthesia related hyperthermia; Malignant hyperpyrexia; Fulminating hyperpyrexia; Pharmacogenic myopathy; RYR1-Related Malignant Hyperthermia Susceptibility; Malignant hyperthermia suceptibility 1. Identifiers: Orphanet 423, MedGen C2930980, MONDO:0007783, OMIM 145600.

Allele frequency attached by ClinVar (database versions not stated): gnomAD exomes 0.00001.
gnomAD v4.1: 10 of 1,613,002 alleles (0.00062%); highest among the groups gnomAD compares: Non-Finnish European, 0.00085%; no homozygotes.

Submissions (2):

All of Us Research Program, National Institutes of Health
Classification: Likely benign for Malignant hyperthermia, susceptibility to, 1. Last evaluated: 2024-03-24. Review status: criteria provided, single submitter. Criteria: ACMG Guidelines, 2015. Collection method: clinical testing. Allele origin: germline. Inheritance: Autosomal dominant inheritance. Observed: 2 variant alleles, 2 heterozygotes.
Comment: This study involves interpretation of variants in research participants for the purpose of population health screening. Participant phenotype was not available at the time of variant classification. Additional details can be found in publication PMID: 35346344, PMCID: PMC8962531

Labcorp Genetics (formerly Invitae), Labcorp
Classification: Likely benign for RYR1-related disorder. Last evaluated: 2022-12-01. Review status: criteria provided, single submitter. Criteria: Invitae Variant Classification Sherloc (09022015). Collection method: clinical testing. Allele origin: germline.